The following is an entry in ClinVar:

ClinVar aggregate classification (germline): Uncertain significance. Review status: criteria provided, multiple submitters, no conflicts (2 of 4 stars). 2 submissions from 2 submitters: Uncertain significance (2). Last evaluated 2023-10-03.

Conditions:
Fetal akinesia deformation sequence 2. Identifiers: MedGen C4760576, MONDO:0100102, OMIM 618388.
Congenital myasthenic syndrome 11. Also called: MYASTHENIC SYNDROME, CONGENITAL, Ie; Myasthenic syndrome, congenital, 11, associated with acetylcholine receptor deficiency. Identifiers: Orphanet 590, MedGen C4225367, MONDO:0014588, OMIM 616326.
Fetal akinesia deformation sequence 1 (FADS1). Also called: Pena-Shokeir syndrome type I; Fetal akinesia sequence. Identifiers: Orphanet 994, MedGen C1276035, MONDO:0100101, OMIM 208150, HP:0001989.

Allele frequency attached by ClinVar (database versions not stated): gnomAD exomes below 0.00001 and 0.00001; TOPMed below 0.00001; gnomAD 0.00001.
gnomAD v4.1: 11 of 1,614,128 alleles (0.00068%); highest among the groups gnomAD compares: Admixed American, 0.0017%; no homozygotes.

Submissions (2):

Labcorp Genetics (formerly Invitae), Labcorp
Classification: Uncertain significance for Congenital myasthenic syndrome 11; Fetal akinesia deformation sequence 1. Last evaluated: 2023-10-03. Review status: criteria provided, single submitter. Criteria: Invitae Variant Classification Sherloc (09022015). Collection method: clinical testing. Allele origin: germline.
Comment: This sequence change replaces glutamic acid, which is acidic and polar, with lysine, which is basic and polar, at codon 180 of the RAPSN protein (p.Glu180Lys). This variant is present in population databases (no rsID available, gnomAD 0.003%). This missense change has been observed in individual(s) with clinical features of RAPSN-related conditions (PMID: 21520333). ClinVar contains an entry for this variant (Variation ID: 1407774). Advanced modeling of protein sequence and biophysical properties (such as structural, functional, and spatial information, amino acid conservation, physicochemical variation, residue mobility, and thermodynamic stability) performed at Invitae indicates that this missense variant is not expected to disrupt RAPSN protein function. In summary, the available evidence is currently insufficient to determine the role of this variant in disease. Therefore, it has been classified as a Variant of Uncertain Significance.

Genetics and Molecular Pathology, SA Pathology
Classification: Uncertain significance for Fetal akinesia deformation sequence 2. Last evaluated: 2022-05-09. Review status: criteria provided, single submitter. Criteria: ACMG Guidelines, 2015. Collection method: clinical testing. Allele origin: germline. Inheritance: Autosomal recessive inheritance. Affected: yes.
Comment: The RAPSN c.538G>A variant is classified as a VARIANT OF UNCERTAIN SIGNFICANCE (PM2, PM3, PP2) The RAPSN c.538G>A variant is a single nucleotide change in exon 3/8 of the RAPSN gene, which is predicted to change the amino acid glutamic acid at position 180 in the protein to lysine. The variant is rare in population databases (gnomAD allele frequency = 0.0013%; 2 het and 0 hom in 152234 sequenced alleles; highest frequency = 0.0029%, Non-Finnish European population) (PM2). This is a missense variant in the constrained TPR5 region of the RAPSN gene and missense variants are a common mechanism of disease (PP2). Computational predictions provide conflicting interpretations of pathogenicity for this variant (PP3 and BP4 not met). The variant has been reported in dbSNP (rs1452482859). It has not been reported in ClinVar or HGMD.

Literature cited by the submitters: PubMed 21520333 (cited by Labcorp Genetics (formerly Invitae), Labcorp).

NM_005055.5(RAPSN):c.538G>A (p.Glu180Lys)

Gene: RAPSN (receptor associated protein of the synapse; minus strand). Cytogenetic location: 11p11.2.
Variant type: single nucleotide variant.
Coding change: c.538G>A on transcript NM_005055.5 (MANE Select); coding-DNA position 538, G replaced by A.
Protein change: p.Glu180Lys; replaces glutamic acid 180 with lysine.
Molecular consequence: missense variant.
Genome position (GRCh38, 1-based): chr11:47,442,808, C>T on the plus strand (G>A on the coding strand, the complement: RAPSN is on the minus strand). VCF-style: chr11-47442808-C-T. GRCh37 (hg19) VCF-style: chr11-47464360-C-T.
Other names: c.538G>A, p.Glu180Lys (NM_032645.5); short protein forms E180K.
Identifiers: ClinVar variation 1407774 (VCV001407774.7), dbSNP rs1452482859, ClinGen allele CA380332500.